The following is an entry in ClinVar:

ClinVar aggregate classification (germline): Uncertain significance (1 of 4 stars; one submission).

Conditions:
MEGF8-related Carpenter syndrome. Also called: Carpenter syndrome 2. Identifiers: Orphanet 65759, MedGen C3554247, MONDO:0013998, OMIM 614976.

Allele frequency attached by ClinVar (database versions not stated): TOPMed below 0.00001.
gnomAD v4.1: 3 of 1,613,788 alleles (0.00019%); highest among the groups gnomAD compares: Non-Finnish European, 0.00025%; no homozygotes.

Submission:

Labcorp Genetics (formerly Invitae), Labcorp
Classification: Uncertain significance for MEGF8-related Carpenter syndrome. Last evaluated: 2024-10-23. Review status: criteria provided, single submitter. Criteria: Invitae Variant Classification Sherloc (09022015). Collection method: clinical testing. Allele origin: germline.
Comment: This sequence change replaces serine, which is neutral and polar, with asparagine, which is neutral and polar, at codon 569 of the MEGF8 protein (p.Ser569Asn). This variant is not present in population databases (gnomAD no frequency). This variant has not been reported in the literature in individuals affected with MEGF8-related conditions. ClinVar contains an entry for this variant (Variation ID: 2177135). An algorithm developed to predict the effect of missense changes on protein structure and function (PolyPhen-2) suggests that this variant is likely to be disruptive. In summary, the available evidence is currently insufficient to determine the role of this variant in disease. Therefore, it has been classified as a Variant of Uncertain Significance.

NM_001271938.2(MEGF8):c.1706G>A (p.Ser569Asn)

Gene: MEGF8 (multiple EGF like domains 8; plus strand). Cytogenetic location: 19q13.2.
Variant type: single nucleotide variant.
Coding change: c.1706G>A on transcript NM_001271938.2 (MANE Select); coding-DNA position 1706, G replaced by A.
Protein change: p.Ser569Asn; replaces serine 569 with asparagine.
Molecular consequence: missense variant.
Genome position (GRCh38, 1-based): chr19:42,343,991, G>A. VCF-style: chr19-42343991-G-A. GRCh37 (hg19) VCF-style: chr19-42848143-G-A.
Other names: c.1706G>A, p.Ser569Asn (NM_001410.3); short protein forms S569N.
Identifiers: ClinVar variation 2177135 (VCV002177135.4), dbSNP rs2039251582, ClinGen allele CA406092558.